The following is an entry in ClinVar:

NM_004336.5(BUB1):c.3215G>A (p.Arg1072Lys)

Gene: BUB1 (BUB1 mitotic checkpoint serine/threonine kinase; minus strand). Cytogenetic location: 2q13.
Variant type: single nucleotide variant.
Coding change: c.3215G>A on transcript NM_004336.5 (MANE Select); coding-DNA position 3215, G replaced by A.
Protein change: p.Arg1072Lys; replaces arginine 1072 with lysine.
Molecular consequence: missense variant.
Genome position (GRCh38, 1-based): chr2:110,638,007, C>T on the plus strand (G>A on the coding strand, the complement: BUB1 is on the minus strand). VCF-style: chr2-110638007-C-T. GRCh37 (hg19) VCF-style: chr2-111395584-C-T.
Other names: c.3155G>A, p.Arg1052Lys (NM_001278616.2); c.3044G>A, p.Arg1015Lys (NM_001278617.2); short protein forms R1015K, R1072K, R1052K.
Identifiers: ClinVar variation 2565788 (VCV002565788.2), dbSNP rs2467963161, ClinGen allele CA348088292.

ClinVar aggregate classification (germline): Uncertain significance (1 of 4 stars; one submission).

gnomAD v4.1: 3 of 1,584,860 alleles (0.00019%); highest among the groups gnomAD compares: Non-Finnish European, 0.00026%; no homozygotes.

Submission:

Ambry Genetics
Classification: Uncertain significance. Last evaluated: 2023-04-09. Review status: criteria provided, single submitter. Criteria: Ambry Variant Classification Scheme 2023. Collection method: clinical testing. Allele origin: germline.
Comment: The p.R1072K variant (also known as c.3215G>A), located in coding exon 25 of the BUB1 gene, results from a G to A substitution at nucleotide position 3215. The arginine at codon 1072 is replaced by lysine, an amino acid with highly similar properties. This amino acid position is conserved. In addition, this alteration is predicted to be tolerated by in silico analysis. Since supporting evidence is limited at this time, the clinical significance of this alteration remains unclear.